The following is an entry in ClinVar:

ClinVar aggregate classification (germline): Uncertain significance. Review status: criteria provided, multiple submitters, no conflicts (2 of 4 stars). 2 submissions from 2 submitters: Uncertain significance (2). Last evaluated 2024-05-06.

Conditions:
BNAR syndrome. Also called: Bifid Nose With or Without Anorectal and Renal Anomalies (BNAR) Syndrome. Identifiers: Orphanet 217266, MedGen C2750433, MONDO:0012165, OMIM 608980.
Oculotrichoanal syndrome (MOTA). Also called: MARLES SYNDROME; Manitoba Oculotrichoanal (MOTA) Syndrome. Identifiers: Orphanet 2717, MedGen C1855425, MONDO:0009560, OMIM 248450.
Trigonocephaly 2 (TRIGNO2). Identifiers: Orphanet 3366, MedGen C3280974, MONDO:0013774, OMIM 614485.

gnomAD v4.1: 26 of 1,613,578 alleles (0.0016%); highest among the groups gnomAD compares: African/African-American, 0.031%; no homozygotes.

Submissions (2):

Fulgent Genetics
Classification: Uncertain significance for Oculotrichoanal syndrome; BNAR syndrome; Trigonocephaly 2. Last evaluated: 2024-05-06. Review status: criteria provided, single submitter. Criteria: ACMG Guidelines, 2015. Collection method: clinical testing. Allele origin: germline.

Mayo Clinic Laboratories, Mayo Clinic
Classification: Uncertain significance. Last evaluated: 2023-10-11. Review status: criteria provided, single submitter. Criteria: ACMG Guidelines, 2015. Collection method: clinical testing. Allele origin: germline. Observed: 1 variant allele.
Comment: BP4_strong

NM_001379081.2(FREM1):c.5754T>G (p.Asp1918Glu)

Gene: FREM1 (FRAS1 related extracellular matrix 1; minus strand). Cytogenetic location: 9p22.3.
Variant type: single nucleotide variant.
Coding change: c.5754T>G on transcript NM_001379081.2 (MANE Select); coding-DNA position 5754, T replaced by G.
Protein change: p.Asp1918Glu; replaces aspartic acid 1918 with glutamic acid.
Molecular consequence: missense variant. On other transcripts: non-coding transcript variant (3).
Genome position (GRCh38, 1-based): chr9:14,748,443, A>C on the plus strand (T>G on the coding strand, the complement: FREM1 is on the minus strand). VCF-style: chr9-14748443-A-C. GRCh37 (hg19) VCF-style: chr9-14748441-A-C.
Other names: p.Asp1918Glu; c.1362T>G, p.Asp454Glu (NM_001177704.3, NM_001370061.2); c.1212T>G, p.Asp404Glu (NM_001370058.2); c.5754T>G, p.Asp1918Glu (NM_144966.7); short protein forms D1918E, D404E, D454E.
Identifiers: ClinVar variation 3379848 (VCV003379848.2).